The following is an entry in ClinVar:

NM_004448.4(ERBB2):c.3249C>A (p.Ser1083=)

Gene: ERBB2 (erb-b2 receptor tyrosine kinase 2; plus strand). Cytogenetic location: 17q12.
Variant type: single nucleotide variant.
Coding change: c.3249C>A on transcript NM_004448.4 (MANE Select); coding-DNA position 3249, C replaced by A.
Protein change: p.Ser1083=; no amino-acid change (serine 1083 retained).
Molecular consequence: synonymous variant. On other transcripts: non-coding transcript variant (1), intron variant (2).
Genome position (GRCh38, 1-based): chr17:39,727,384, C>A. VCF-style: chr17-39727384-C-A. GRCh37 (hg19) VCF-style: chr17-37883637-C-A.
Other names: c.3159C>A, p.Ser1053= (NM_001005862.3, NM_001382782.1, NM_001382783.1); c.3204C>A, p.Ser1068= (NM_001289936.2); c.3366C>A, p.Ser1122= (NM_001382784.1); c.3351C>A, p.Ser1117= (NM_001382785.1); c.3330C>A, p.Ser1110= (NM_001382786.1); c.3324C>A, p.Ser1108= (NM_001382787.1); c.3279C>A, p.Ser1093= (NM_001382788.1); c.3270C>A, p.Ser1090= (NM_001382789.1); and 17 more.
Identifiers: ClinVar variation 1596027 (VCV001596027.32), dbSNP rs376673270, ClinGen allele CA8534507.

ClinVar aggregate classification (germline): Likely benign. Review status: criteria provided, multiple submitters, no conflicts (2 of 4 stars). 2 submissions from 2 submitters: Likely benign (2). Last evaluated 2024-09-29.

Allele frequency attached by ClinVar (database versions not stated): ESP Exome Variant Server 0.00008.

Submissions (2):

Labcorp Genetics (formerly Invitae), Labcorp
Classification: Likely benign. Last evaluated: 2024-09-29. Review status: criteria provided, single submitter. Criteria: Invitae Variant Classification Sherloc (09022015). Collection method: clinical testing. Allele origin: germline.

CeGaT Center for Human Genetics Tuebingen
Classification: Likely benign. Last evaluated: 2022-11-01. Review status: criteria provided, single submitter. Criteria: CeGaT Center For Human Genetics Tuebingen Variant Classification Criteria Version 2. Collection method: clinical testing. Allele origin: germline. Affected: yes. Observed: 1 variant allele.
Comment: ERBB2: BP4, BP7